The following is an entry in ClinVar:

NM_001145358.2(SIN3A):c.656A>G (p.Gln219Arg)

Gene: SIN3A (SIN3 transcription regulator family member A; minus strand). Cytogenetic location: 15q24.2.
Variant type: single nucleotide variant.
Coding change: c.656A>G on transcript NM_001145358.2 (MANE Select); coding-DNA position 656, A replaced by G.
Protein change: p.Gln219Arg; replaces glutamine 219 with arginine.
Molecular consequence: missense variant.
Genome position (GRCh38, 1-based): chr15:75,412,863, T>C on the plus strand (A>G on the coding strand, the complement: SIN3A is on the minus strand). VCF-style: chr15-75412863-T-C. GRCh37 (hg19) VCF-style: chr15-75705204-T-C.
Other names: c.656A>G, p.Gln219Arg (NM_001145357.2, NM_015477.3); short protein forms Q219R.
Identifiers: ClinVar variation 2121203 (VCV002121203.4), dbSNP rs2542699358, ClinGen allele CA393450502.

ClinVar aggregate classification (germline): Uncertain significance (1 of 4 stars; one submission).

Submission:

Labcorp Genetics (formerly Invitae), Labcorp
Classification: Uncertain significance. Last evaluated: 2023-07-07. Review status: criteria provided, single submitter. Criteria: Invitae Variant Classification Sherloc (09022015). Collection method: clinical testing. Allele origin: germline.
Comment: This sequence change replaces glutamine, which is neutral and polar, with arginine, which is basic and polar, at codon 219 of the SIN3A protein (p.Gln219Arg). This variant is not present in population databases (gnomAD no frequency). This variant has not been reported in the literature in individuals affected with SIN3A-related conditions. ClinVar contains an entry for this variant (Variation ID: 2121203). Advanced modeling of protein sequence and biophysical properties (such as structural, functional, and spatial information, amino acid conservation, physicochemical variation, residue mobility, and thermodynamic stability) performed at Invitae indicates that this missense variant is not expected to disrupt SIN3A protein function. In summary, the available evidence is currently insufficient to determine the role of this variant in disease. Therefore, it has been classified as a Variant of Uncertain Significance.